The following is an entry in ClinVar:

ClinVar aggregate classification (germline): Conflicting classifications of pathogenicity. Review status: criteria provided, conflicting classifications (1 of 4 stars). 6 submissions from 6 submitters: Likely pathogenic (2); Uncertain significance (2). 2 of the submissions do not count toward it. Last evaluated 2025-05-18.

Conditions:
PRPF8-related disorder. Also called: PRPF8-related condition.
Retinal dystrophy. Also called: Inherited retinal dystrophy. Identifiers: Orphanet 71862, MedGen C0854723, MeSH D058499, MONDO:0019118, HP:0000556.

Submissions (6):

Labcorp Genetics (formerly Invitae), Labcorp
Classification: Likely pathogenic. Last evaluated: 2025-05-18. Review status: criteria provided, single submitter. Criteria: Invitae Variant Classification Sherloc (09022015). Collection method: clinical testing. Allele origin: germline.
Comment: This sequence change replaces histidine, which is basic and polar, with arginine, which is basic and polar, at codon 2313 of the PRPF8 protein (p.His2313Arg). This variant is not present in population databases (gnomAD no frequency). This missense change has been observed in individuals with inherited retinal disease (PMID: 30029497, 32531858, 33598457). ClinVar contains an entry for this variant (Variation ID: 444391). Invitae Evidence Modeling of protein sequence and biophysical properties (such as structural, functional, and spatial information, amino acid conservation, physicochemical variation, residue mobility, and thermodynamic stability) indicates that this missense variant is expected to disrupt PRPF8 protein function with a positive predictive value of 80%. This variant disrupts the p.His2313 amino acid residue in PRPF8. Other variant(s) that disrupt this residue have been observed in individuals with PRPF8-related conditions (PMID: 36460718, 36819107), which suggests that this may be a clinically significant amino acid residue. In summary, the currently available evidence indicates that the variant is pathogenic, but additional data are needed to prove that conclusively. Therefore, this variant has been classified as Likely Pathogenic.

Blueprint Genetics
Classification: Likely pathogenic for PRPF8-related disorders. Last evaluated: 2023-11-01. Review status: criteria provided, single submitter. Criteria: ACMG Guidelines, 2015. Collection method: clinical testing. Allele origin: germline. Affected: yes. Observed: 2 variant alleles.

Dept Of Ophthalmology, Nagoya University
Classification: Uncertain significance for Retinal dystrophy. Last evaluated: 2023-10-01. Review status: criteria provided, single submitter. Criteria: Submitter's publication. Collection method: research. Allele origin: germline. Affected: yes.

CeGaT Center for Human Genetics Tuebingen
Classification: Uncertain significance. Last evaluated: 2017-03-01. Review status: criteria provided, single submitter. Criteria: CeGaT Center For Human Genetics Tuebingen Variant Classification Criteria Version 2. Collection method: clinical testing. Allele origin: germline. Affected: yes. Observed: 1 variant allele.

Clinical Genetics DNA and cytogenetics Diagnostics Lab, Erasmus MC, Erasmus Medical Center
Classification: Uncertain significance. Review status: no assertion criteria provided. Collection method: clinical testing. Allele origin: germline. Affected: yes. Study: VKGL Data-share Consensus. Not counted in ClinVar's aggregate classification.

Clinical Genetics, Academic Medical Center
Classification: Uncertain significance. Review status: no assertion criteria provided. Collection method: clinical testing. Allele origin: germline. Affected: yes. Study: VKGL Data-share Consensus. Not counted in ClinVar's aggregate classification.

Literature cited by the submitters: PubMed 30029497 (cited by Labcorp Genetics (formerly Invitae), Labcorp); PubMed 32531858 (cited by Labcorp Genetics (formerly Invitae), Labcorp); PubMed 33598457 (cited by Labcorp Genetics (formerly Invitae), Labcorp); PubMed 36460718 (cited by Labcorp Genetics (formerly Invitae), Labcorp); PubMed 36819107 (cited by Labcorp Genetics (formerly Invitae), Labcorp).

NM_006445.4(PRPF8):c.6938A>G (p.His2313Arg)

Gene: PRPF8 (pre-mRNA processing factor 8; minus strand). Cytogenetic location: 17p13.3.
Variant type: single nucleotide variant.
Coding change: c.6938A>G on transcript NM_006445.4 (MANE Select); coding-DNA position 6938, A replaced by G.
Protein change: p.His2313Arg; replaces histidine 2313 with arginine.
Molecular consequence: missense variant.
Genome position (GRCh38, 1-based): chr17:1,650,872, T>C on the plus strand (A>G on the coding strand, the complement: PRPF8 is on the minus strand). VCF-style: chr17-1650872-T-C. GRCh37 (hg19) VCF-style: chr17-1554166-T-C.
Other names: short protein forms H2313R.
Identifiers: ClinVar variation 444391 (VCV000444391.53), dbSNP rs1555550045, ClinGen allele CA397561966.